The following is an entry in ClinVar:

ClinVar aggregate classification (germline): Uncertain significance (1 of 4 stars; one submission).

Submission:

Labcorp Genetics (formerly Invitae), Labcorp
Classification: Uncertain significance. Last evaluated: 2022-06-15. Review status: criteria provided, single submitter. Criteria: Invitae Variant Classification Sherloc (09022015). Collection method: clinical testing. Allele origin: germline.
Comment: This variant has not been reported in the literature in individuals affected with COL18A1-related conditions. In summary, the available evidence is currently insufficient to determine the role of this variant in disease. Therefore, it has been classified as a Variant of Uncertain Significance. Experimental studies and prediction algorithms are not available or were not evaluated, and the functional significance of this variant is currently unknown. This variant is not present in population databases (gnomAD no frequency). This sequence change replaces threonine, which is neutral and polar, with alanine, which is neutral and non-polar, at codon 183 of the COL18A1 protein (p.Thr183Ala). The COL18A1 gene has multiple clinically relevant transcripts. This variant occurs in alternate transcript NM_030582.3, and corresponds to NM_130445.2:c.107-12165A>G in the primary transcript.

NM_001379500.1(COL18A1):c.107-12165A>G

Gene: COL18A1 (collagen type XVIII alpha 1 chain; plus strand). Cytogenetic location: 21q22.3.
Variant type: single nucleotide variant.
Coding change: c.107-12165A>G on transcript NM_001379500.1 (MANE Select); 12165 bases into the intron before coding-DNA position 107, A replaced by G.
Molecular consequence: intron variant. On other transcripts: missense variant (2).
Genome position (GRCh38, 1-based): chr21:45,456,077, A>G. VCF-style: chr21-45456077-A-G. GRCh37 (hg19) VCF-style: chr21-46875991-A-G.
Other names: c.547A>G, p.Thr183Ala (NM_030582.4, NM_130444.3); short protein forms T183A.
Identifiers: ClinVar variation 1474694 (VCV001474694.7), dbSNP rs2145852787, ClinGen allele CA410506336.
Genomic context (GRCh38, chr21:45,456,077, plus strand): 5'-GAGAATGGGACCACTCTCTGGCCCAGCCGTGGCATTCCTAGCTCTCCGGGCGCCCACACA[A>G]CCGAGGCTGGCACCTTGCCTGCACCCACCCCATCGCCTCCCTCCCTGGGCAGGCCCTGGG-3'